The following is an entry in ClinVar:

ClinVar aggregate classification (germline): Uncertain significance (1 of 4 stars; one submission).

Submission:

GeneDx
Classification: Uncertain significance. Last evaluated: 2026-03-31. Review status: criteria provided, single submitter. Criteria: GeneDx Variant Classification Process June 2021. Collection method: clinical testing. Allele origin: germline.
Comment: Not observed at significant frequency in large population cohorts (gnomAD); In silico analysis supports that this missense variant has a deleterious effect on protein structure/function; Has not been previously published as pathogenic or benign to our knowledge

NM_057175.5(NAA15):c.1775T>C (p.Leu592Pro)

Gene: NAA15 (N-alpha-acetyltransferase 15, NatA auxiliary subunit; plus strand). Cytogenetic location: 4q31.1.
Variant type: single nucleotide variant.
Coding change: c.1775T>C on transcript NM_057175.5 (MANE Select); coding-DNA position 1775, T replaced by C.
Protein change: p.Leu592Pro; replaces leucine 592 with proline.
Molecular consequence: missense variant.
Genome position (GRCh38, 1-based): chr4:139,370,232, T>C. VCF-style: chr4-139370232-T-C. GRCh37 (hg19) VCF-style: chr4-140291386-T-C.
Other names: c.1775T>C, p.Leu592Pro (NM_001410842.1); short protein forms L592P.
Identifiers: ClinVar variation 5017681 (VCV005017681.1).